The following is an entry in ClinVar:

NM_005148.4(UNC119):c.356G>A (p.Arg119Gln)

Gene: UNC119 (unc-119 lipid binding chaperone; minus strand). Cytogenetic location: 17q11.2.
Variant type: single nucleotide variant.
Coding change: c.356G>A on transcript NM_005148.4 (MANE Select); coding-DNA position 356, G replaced by A.
Protein change: p.Arg119Gln; replaces arginine 119 with glutamine.
Molecular consequence: missense variant.
Genome position (GRCh38, 1-based): chr17:28,548,080, C>T on the plus strand (G>A on the coding strand, the complement: UNC119 is on the minus strand). VCF-style: chr17-28548080-C-T. GRCh37 (hg19) VCF-style: chr17-26875098-C-T.
Other names: c.71G>A, p.Arg24Gln (NM_001330166.2); c.356G>A, p.Arg119Gln (NM_054035.2); short protein forms R119Q, R24Q.
Identifiers: ClinVar variation 839282 (VCV000839282.11), dbSNP rs200211619, ClinGen allele CA8459823.

ClinVar aggregate classification (germline): Benign/Likely benign. Review status: criteria provided, multiple submitters, no conflicts (2 of 4 stars). 2 submissions from 2 submitters: Benign (1); Likely benign (1). Last evaluated 2024-11-28.

Conditions:
Cone-rod dystrophy. Also called: Cone-rod degeneration; Cone/cone-rod dystrophy. Identifiers: Orphanet 1872, MedGen C4085590, MONDO:0015993, HP:0000548.

Allele frequency attached by ClinVar (database versions not stated): gnomAD exomes 0.00007 and 0.00033; TOPMed 0.00008; 1000 Genomes Project 0.00020; ExAC 0.00025; 1000 Genomes Project 30x 0.00031; gnomAD 0.00003.
gnomAD v4.1: 108 of 1,613,704 alleles (0.0067%); highest among the groups gnomAD compares: Admixed American, 0.15%; 1 homozygote.

Submissions (2):

Labcorp Genetics (formerly Invitae), Labcorp
Classification: Likely benign. Last evaluated: 2024-11-28. Review status: criteria provided, single submitter. Criteria: Invitae Variant Classification Sherloc (09022015). Collection method: clinical testing. Allele origin: germline.

Illumina Laboratory Services, Illumina
Classification: Benign for Cone-rod dystrophy. Last evaluated: 2018-01-13. Review status: criteria provided, single submitter. Criteria: ICSL Variant Classification Criteria 13 December 2019. Collection method: clinical testing. Allele origin: germline.
Comment: This variant was observed in the ICSL laboratory as part of a predisposition screen in an ostensibly healthy population. It had not been previously curated by ICSL or reported in the Human Gene Mutation Database (HGMD: prior to June 1st, 2018), and was therefore a candidate for classification through an automated scoring system. Utilizing variant allele frequency, disease prevalence and penetrance estimates, and inheritance mode, an automated score was calculated to assess if this variant is too frequent to cause the disease. Based on the score and internal cut-off values, a variant classified as benign is not then subjected to further curation. The score for this variant resulted in a classification of benign for this disease.